The following is an entry in ClinVar:

ClinVar aggregate classification (germline): Uncertain significance. Review status: criteria provided, multiple submitters, no conflicts (2 of 4 stars). 2 submissions from 2 submitters: Uncertain significance (2). Last evaluated 2026-05-01.

gnomAD v4.1: 15 of 1,603,132 alleles (0.00094%); highest among the groups gnomAD compares: Admixed American, 0.0068%; no homozygotes.

Submissions (2):

CeGaT Center for Human Genetics Tuebingen
Classification: Uncertain significance. Last evaluated: 2026-05-01. Review status: criteria provided, single submitter. Criteria: CeGaT Center For Human Genetics Tuebingen Variant Classification Criteria Version 2. Collection method: clinical testing. Allele origin: germline. Affected: yes. Observed: 1 variant allele.
Comment: GUF1: PM2, PP3

Ambry Genetics
Classification: Uncertain significance. Last evaluated: 2024-07-10. Review status: criteria provided, single submitter. Criteria: Ambry Variant Classification Scheme 2023. Collection method: clinical testing. Allele origin: germline.

NM_021927.3(GUF1):c.1195G>T (p.Gly399Cys)

Gene: GUF1 (GTP binding elongation factor GUF1; plus strand). Cytogenetic location: 4p12.
Variant type: single nucleotide variant.
Coding change: c.1195G>T on transcript NM_021927.3 (MANE Select); coding-DNA position 1195, G replaced by T.
Protein change: p.Gly399Cys; replaces glycine 399 with cysteine.
Molecular consequence: missense variant.
Genome position (GRCh38, 1-based): chr4:44,689,402, G>T. VCF-style: chr4-44689402-G-T. GRCh37 (hg19) VCF-style: chr4-44691419-G-T.
Other names: c.223G>T, p.Gly75Cys (NM_001345867.2, NM_001345869.2); c.1195G>T, p.Gly399Cys (NM_001345868.2); short protein forms G399C, G75C.
Identifiers: ClinVar variation 3523434 (VCV003523434.3).